The following is an entry in ClinVar:

NM_001135022.2(ELMOD3):c.196C>T (p.Arg66Cys)

Gene: ELMOD3 (ELMO domain containing 3; plus strand). Cytogenetic location: 2p11.2.
Variant type: single nucleotide variant.
Coding change: c.196C>T on transcript NM_001135022.2 (MANE Select); coding-DNA position 196, C replaced by T.
Protein change: p.Arg66Cys; replaces arginine 66 with cysteine.
Molecular consequence: missense variant. On other transcripts: non-coding transcript variant (3).
Genome position (GRCh38, 1-based): chr2:85,363,163, C>T. VCF-style: chr2-85363163-C-T. GRCh37 (hg19) VCF-style: chr2-85590286-C-T.
Other names: p.Arg66Cys; c.196C>T, p.Arg66Cys (NM_001135021.2, NM_001135023.2, NM_001329791.2 and 2 more transcripts); short protein forms R66C.
Identifiers: ClinVar variation 508136 (VCV000508136.12), dbSNP rs7564372, ClinGen allele CA1740237.
Genomic context (GRCh38, chr2:85,363,163, plus strand): 5'-GAGTTGAAGAACCATGGCATTCTCCAGGCTCTGACCACAGAAGCTTATGAATGGGAGCCA[C>T]GTGGTAAGGTTCCCTTCAGGGCCCTTGGAGTCTGGGTGGGACCCAAGTCAGACCTTCCCA-3'
Protein context (NP_001128494.1, residues 56-76): LTTEAYEWEP[Arg66Cys]VVSTEVVRAQ

ClinVar aggregate classification (germline): Benign. Review status: criteria provided, multiple submitters, no conflicts (2 of 4 stars). 5 submissions from 5 submitters: Benign (5). Last evaluated 2026-01-26.

Allele frequency attached by ClinVar (database versions not stated): gnomAD exomes 0.02955; ExAC 0.03452; gnomAD 0.06127; 1000 Genomes Project 0.06350; 1000 Genomes Project 30x 0.06777; TOPMed 0.06783; ESP Exome Variant Server 0.07151.
gnomAD v4.1: 50,614 of 1,601,340 alleles (3.2%); highest among the groups gnomAD compares: African/African-American, 16%; 1,544 homozygotes.

Submissions (5):

Labcorp Genetics (formerly Invitae), Labcorp
Classification: Benign. Last evaluated: 2026-01-26. Review status: criteria provided, single submitter. Criteria: Invitae Variant Classification Sherloc (09022015). Collection method: clinical testing. Allele origin: germline.

Mayo Clinic Laboratories, Mayo Clinic
Classification: Benign. Last evaluated: 2022-04-22. Review status: criteria provided, single submitter. Criteria: ACMG Guidelines, 2015. Collection method: clinical testing. Allele origin: germline. Observed: 17 variant alleles.

Athena Diagnostics
Classification: Benign. Last evaluated: 2018-05-24. Review status: criteria provided, single submitter. Criteria: Athena Diagnostics Criteria. Collection method: clinical testing. Allele origin: germline.

GeneDx
Classification: Benign. Last evaluated: 2017-08-24. Review status: criteria provided, single submitter. Criteria: GeneDx Variant Classification (06012015). Collection method: clinical testing. Allele origin: germline. Affected: yes.
Comment: This variant is considered likely benign or benign based on one or more of the following criteria: it is a conservative change, it occurs at a poorly conserved position in the protein, it is predicted to be benign by multiple in silico algorithms, and/or has population frequency not consistent with disease.

Breakthrough Genomics
Classification: Benign. Review status: criteria provided, single submitter. Criteria: ACMG Guidelines, 2015. Collection method: not provided. Allele origin: germline. Inheritance: Autosomal recessive inheritance. Affected: yes.